The following is an entry in ClinVar:

NM_000238.4(KCNH2):c.3433C>G (p.Leu1145Val)

Gene: KCNH2 (potassium voltage-gated channel subfamily H member 2; minus strand). Cytogenetic location: 7q36.1.
Variant type: single nucleotide variant.
Coding change: c.3433C>G on transcript NM_000238.4 (MANE Select); coding-DNA position 3433, C replaced by G.
Protein change: p.Leu1145Val; replaces leucine 1145 with valine.
Molecular consequence: missense variant. On other transcripts: non-coding transcript variant (2).
Genome position (GRCh38, 1-based): chr7:150,945,412, G>C on the plus strand (C>G on the coding strand, the complement: KCNH2 is on the minus strand). VCF-style: chr7-150945412-G-C. GRCh37 (hg19) VCF-style: chr7-150642500-G-C.
Other names: c.3145C>G, p.Leu1049Val (NM_001406753.1); c.2413C>G, p.Leu805Val (NM_172057.3); short protein forms L805V, L1049V, L1145V.
Identifiers: ClinVar variation 2837994 (VCV002837994.3), dbSNP rs2485994714, ClinGen allele CA369851429.

ClinVar aggregate classification (germline): Uncertain significance (1 of 4 stars; one submission).

Conditions:
Long QT syndrome (LQTS). Identifiers: MedGen C0023976, MeSH D008133, MONDO:0002442. Disease mechanism: loss of function. Inheritance: Various modes of inheritance.

Submission:

Labcorp Genetics (formerly Invitae), Labcorp
Classification: Uncertain significance for Long QT syndrome. Last evaluated: 2024-12-20. Review status: criteria provided, single submitter. Criteria: Invitae Variant Classification Sherloc (09022015). Collection method: clinical testing. Allele origin: germline.
Comment: This sequence change replaces leucine, which is neutral and non-polar, with valine, which is neutral and non-polar, at codon 1145 of the KCNH2 protein (p.Leu1145Val). This variant is not present in population databases (gnomAD no frequency). This variant has not been reported in the literature in individuals affected with KCNH2-related conditions. ClinVar contains an entry for this variant (Variation ID: 2837994). An algorithm developed to predict the effect of missense changes on protein structure and function (PolyPhen-2) suggests that this variant is likely to be tolerated. In summary, the available evidence is currently insufficient to determine the role of this variant in disease. Therefore, it has been classified as a Variant of Uncertain Significance.